The following is an entry in ClinVar:

ClinVar aggregate classification (germline): Benign (1 of 4 stars; one submission).

Allele frequency attached by ClinVar (database versions not stated): gnomAD 0.00347 and 0.00375; gnomAD exomes 0.00474; 1000 Genomes Project 0.00120; 1000 Genomes Project 30x 0.00141; TOPMed 0.00305.
gnomAD v4.1: 1,683 of 398,586 alleles (0.42%); highest among the groups gnomAD compares: Non-Finnish European, 0.53%; 2 homozygotes.

Submission:

CeGaT Center for Human Genetics Tuebingen
Classification: Benign. Last evaluated: 2026-09-01. Review status: criteria provided, single submitter. Criteria: CeGaT Center For Human Genetics Tuebingen Variant Classification Criteria Version 2. Collection method: clinical testing. Allele origin: germline. Affected: yes. Observed: 31 variant alleles.
Comment: KCNQ1OT1: BS1, BS2

NM_000218.3(KCNQ1):c.1394-33886C>T

Genes: KCNQ1 (potassium voltage-gated channel subfamily Q member 1; plus strand), KCNQ1OT1 (KCNQ1 opposite strand/antisense transcript 1; minus strand). Cytogenetic location: 11p15.5.
Variant type: single nucleotide variant.
Coding change: c.1394-33886C>T on transcript NM_000218.3 (MANE Select); 33886 bases into the intron before coding-DNA position 1394, C replaced by T.
Molecular consequence: intron variant.
Genome position (GRCh38, 1-based): chr11:2,628,075, C>T. VCF-style: chr11-2628075-C-T. GRCh37 (hg19) VCF-style: chr11-2649305-C-T.
Other names: c.1124-33886C>T (NM_001406837.1); c.1298-33886C>T (NM_001406836.1); c.854-33886C>T (NM_001406838.1); c.1013-33886C>T (NM_181798.2).
Identifiers: ClinVar variation 1701157 (VCV001701157.31), dbSNP rs117375320, ClinGen allele CA216365527.